The following is an entry in ClinVar:

NM_032590.5(KDM2B):c.3050G>A (p.Arg1017His)

Gene: KDM2B (lysine demethylase 2B; minus strand). Cytogenetic location: 12q24.31.
Variant type: single nucleotide variant.
Coding change: c.3050G>A on transcript NM_032590.5 (MANE Select); coding-DNA position 3050, G replaced by A.
Protein change: p.Arg1017His; replaces arginine 1017 with histidine.
Molecular consequence: missense variant.
Genome position (GRCh38, 1-based): chr12:121,442,391, C>T on the plus strand (G>A on the coding strand, the complement: KDM2B is on the minus strand). VCF-style: chr12-121442391-C-T. GRCh37 (hg19) VCF-style: chr12-121880194-C-T.
Other names: c.2843G>A, p.Arg948His (NM_001005366.2); short protein forms R1017H, R948H.
Identifiers: ClinVar variation 242896 (VCV000242896.2), dbSNP rs782304760, ClinGen allele CA6836323.

ClinVar aggregate classification (germline): Likely benign. Review status: criteria provided, single submitter (1 of 4 stars). 2 submissions from 2 submitters: Likely benign (1). 1 of the submissions does not count toward it.

Conditions:
Microcephaly. Also called: Microcephaly (disease). Identifiers: MedGen C4551563, MONDO:0001149, HP:0000252.
Global developmental delay (DD). Also called: Cognitive delay. Identifiers: MedGen C0557874, HP:0001263. Disease mechanism: loss of function.
Hypotonia. Also called: Muscular hypotonia; poor muscle tone. Identifiers: MedGen C0026827, HP:0001252.
Infantile spasms. Also called: Infantile spasm. Identifiers: MedGen C3887898, HP:0012469.

Allele frequency attached by ClinVar (database versions not stated): gnomAD 0.00001; gnomAD exomes 0.00003; TOPMed 0.00003; ExAC 0.00005.
gnomAD v4.1: 48 of 1,593,032 alleles (0.003%); highest among the groups gnomAD compares: Middle Eastern, 0.11%; no homozygotes.

Submissions (2):

The Genetics Institute, Rambam Health Care Campus
Classification: Likely benign for Global developmental delay; Microcephaly. Review status: criteria provided, single submitter. Criteria: ACMG Guidelines, 2015. Collection method: clinical testing. Allele origin: germline. Inheritance: Autosomal recessive inheritance. Affected: no. Observed: 1 homozygote.

Lupski Lab, Baylor-Hopkins CMG, Baylor College of Medicine
Classification: Likely pathogenic for Global developmental delay; Microcephaly; Hypotonia; Infantile spasms. Last evaluated: 2016-01-10. Review status: no assertion criteria provided. Collection method: research. Allele origin: inherited. Inheritance: Autosomal recessive inheritance. Affected: yes. Observed: 2 variant alleles, 2 homozygotes. Study: The combination of WES, CNV-derived from WES, paralog studies, and GeneMatcher provide potential molecular diagnosis in a cohort from Saudi Arabia. Not counted in ClinVar's aggregate classification.